The following is an entry in ClinVar:

ClinVar aggregate classification (germline): Uncertain significance (1 of 4 stars; one submission).

Conditions:
EAST syndrome (SESAMES). Also called: SEIZURES, SENSORINEURAL DEAFNESS, ATAXIA, IMPAIRED INTELLECTUAL DEVELOPMENT, AND ELECTROLYTE IMBALANCE. Identifiers: Orphanet 199343, MedGen C2748572, MONDO:0013005, OMIM 612780.

gnomAD v4.1: 11 of 1,614,002 alleles (0.00068%); highest among the groups gnomAD compares: Middle Eastern, 0.016%; no homozygotes.

Submission:

Labcorp Genetics (formerly Invitae), Labcorp
Classification: Uncertain significance for EAST syndrome. Last evaluated: 2024-06-15. Review status: criteria provided, single submitter. Criteria: Invitae Variant Classification Sherloc (09022015). Collection method: clinical testing. Allele origin: germline.
Comment: This sequence change replaces threonine, which is neutral and polar, with isoleucine, which is neutral and non-polar, at codon 262 of the KCNJ10 protein (p.Thr262Ile). This variant is not present in population databases (gnomAD no frequency). This variant has not been reported in the literature in individuals affected with KCNJ10-related conditions. Advanced modeling of protein sequence and biophysical properties (such as structural, functional, and spatial information, amino acid conservation, physicochemical variation, residue mobility, and thermodynamic stability) performed at Invitae indicates that this missense variant is not expected to disrupt KCNJ10 protein function with a negative predictive value of 80%. In summary, the available evidence is currently insufficient to determine the role of this variant in disease. Therefore, it has been classified as a Variant of Uncertain Significance.

NM_002241.5(KCNJ10):c.785C>T (p.Thr262Ile)

Gene: KCNJ10 (potassium inwardly rectifying channel subfamily J member 10; minus strand). Cytogenetic location: 1q23.2.
Variant type: single nucleotide variant.
Coding change: c.785C>T on transcript NM_002241.5 (MANE Select); coding-DNA position 785, C replaced by T.
Protein change: p.Thr262Ile; replaces threonine 262 with isoleucine.
Molecular consequence: missense variant.
Genome position (GRCh38, 1-based): chr1:160,041,748, G>A on the plus strand (C>T on the coding strand, the complement: KCNJ10 is on the minus strand). VCF-style: chr1-160041748-G-A. GRCh37 (hg19) VCF-style: chr1-160011538-G-A.
Other names: short protein forms T262I.
Identifiers: ClinVar variation 3603554 (VCV003603554.2).